The following is an entry in ClinVar:

ClinVar aggregate classification (germline): Conflicting classifications of pathogenicity. Review status: criteria provided, conflicting classifications (1 of 4 stars). 2 submissions from 2 submitters: Uncertain significance (1); Benign (1). Last evaluated 2025-04-01.

Conditions:
Hereditary cancer-predisposing syndrome. Also called: Tumor predisposition; Neoplastic Syndromes, Hereditary; Hereditary Cancer Syndrome; Hereditary neoplastic syndrome. Identifiers: Orphanet 140162, MedGen C0027672, MeSH D009386, MONDO:0015356.
Multiple endocrine neoplasia, type 1 (MEN1). Also called: MEN I; WERMER SYNDROME; Endocrine adenomatosis multiple; MEN 1; MEA I. Identifiers: Orphanet 652, MedGen C0025267, MeSH D018761, MONDO:0007540, OMIM 131100.

Allele frequency attached by ClinVar (database versions not stated): gnomAD 0.00001; TOPMed 0.00001.
gnomAD v4.1: 4 of 1,611,004 alleles (0.00025%); highest among the groups gnomAD compares: Non-Finnish European, 0.00025%; no homozygotes.

Submissions (2):

Ambry Genetics
Classification: Uncertain significance for Hereditary cancer-predisposing syndrome. Last evaluated: 2025-04-01. Review status: criteria provided, single submitter. Criteria: Ambry Variant Classification Scheme 2023. Collection method: clinical testing. Allele origin: germline.
Comment: The p.V522L variant (also known as c.1564G>C), located in coding exon 9 of the MEN1 gene, results from a G to C substitution at nucleotide position 1564. The valine at codon 522 is replaced by leucine, an amino acid with highly similar properties. This amino acid position is not well conserved in available vertebrate species. In addition, this alteration is predicted to be tolerated by in silico analysis. Since supporting evidence is limited at this time, the clinical significance of this alteration remains unclear.

Labcorp Genetics (formerly Invitae), Labcorp
Classification: Benign for Multiple endocrine neoplasia, type 1. Last evaluated: 2025-02-27. Review status: criteria provided, single submitter. Criteria: Invitae Variant Classification Sherloc (09022015). Collection method: clinical testing. Allele origin: germline.

NM_001370259.2(MEN1):c.1564G>C (p.Val522Leu)

Gene: MEN1 (menin 1; minus strand). Cytogenetic location: 11q13.1.
Variant type: single nucleotide variant.
Coding change: c.1564G>C on transcript NM_001370259.2 (MANE Select); coding-DNA position 1564, G replaced by C.
Protein change: p.Val522Leu; replaces valine 522 with leucine.
Molecular consequence: missense variant.
Genome position (GRCh38, 1-based): chr11:64,804,603, C>G on the plus strand (G>C on the coding strand, the complement: MEN1 is on the minus strand). VCF-style: chr11-64804603-C-G. GRCh37 (hg19) VCF-style: chr11-64572075-C-G.
Other names: c.1690G>C, p.Val564Leu (NM_001370251.2); c.1564G>C, p.Val522Leu (NM_001370260.2, NM_001370261.2, NM_130799.3); c.1459G>C, p.Val487Leu (NM_001370262.2, NM_001370263.2); c.1579G>C, p.Val527Leu (NM_130800.3, NM_130801.3, NM_130802.3 and 3 more transcripts); short protein forms V522L, V527L, V564L, V487L.
Identifiers: ClinVar variation 403827 (VCV000403827.15), dbSNP rs1060499983, ClinGen allele CA16613661.